The following is an entry in ClinVar:

ClinVar aggregate classification (germline): Benign (0 of 4 stars; one submission).

Conditions:
HIP1-related disorder. Also called: HIP1-related condition.

Allele frequency attached by ClinVar (database versions not stated): 1000 Genomes Project 0.06949; 1000 Genomes Project 30x 0.07230; TOPMed 0.11565; gnomAD 0.12695; ESP Exome Variant Server 0.13290; gnomAD exomes 0.15643; ExAC 0.21700.
gnomAD v4.1: 242,705 of 1,585,862 alleles (15%); highest among the groups gnomAD compares: Non-Finnish European, 17%; 20,240 homozygotes.

Submission:

PreventionGenetics, part of Exact Sciences
Classification: Benign for HIP1-related condition. Last evaluated: 2019-11-05. Review status: no assertion criteria provided. Collection method: clinical testing. Allele origin: germline.
Comment: This variant is classified as benign based on ACMG/AMP sequence variant interpretation guidelines (Richards et al. 2015 PMID: 25741868, with internal and published modifications).

NM_005338.7(HIP1):c.2496A>G (p.Gln832=)

Gene: HIP1 (huntingtin interacting protein 1; minus strand). Cytogenetic location: 7q11.23.
Variant type: single nucleotide variant.
Coding change: c.2496A>G on transcript NM_005338.7 (MANE Select); coding-DNA position 2496, A replaced by G.
Protein change: p.Gln832=; no amino-acid change (glutamine 832 retained).
Molecular consequence: synonymous variant. On other transcripts: intron variant (1).
Genome position (GRCh38, 1-based): chr7:75,547,002, T>C on the plus strand (A>G on the coding strand, the complement: HIP1 is on the minus strand). VCF-style: chr7-75547002-T-C. GRCh37 (hg19) VCF-style: chr7-75176300-T-C.
Other names: c.2394A>G, p.Gln798= (NM_001382444.1); c.2409A>G, p.Gln803= (NM_001382445.1); c.2407-1814A>G (NM_001243198.3).
Identifiers: ClinVar variation 3056008 (VCV003056008.2), dbSNP rs1167801, ClinGen allele CA4301946.